The following is an entry in ClinVar:

ClinVar aggregate classification (germline): Uncertain significance (1 of 4 stars; one submission).

Allele frequency attached by ClinVar (database versions not stated): gnomAD 0.00001; gnomAD exomes 0.00001.
gnomAD v4.1: 4 of 1,614,070 alleles (0.00025%); highest among the groups gnomAD compares: African/African-American, 0.0013%; no homozygotes.

Submission:

Labcorp Genetics (formerly Invitae), Labcorp
Classification: Uncertain significance. Last evaluated: 2025-09-07. Review status: criteria provided, single submitter. Criteria: Invitae Variant Classification Sherloc (09022015). Collection method: clinical testing. Allele origin: germline.
Comment: This sequence change replaces aspartic acid, which is acidic and polar, with asparagine, which is neutral and polar, at codon 770 of the DSG1 protein (p.Asp770Asn). This variant is present in population databases (no rsID available, gnomAD 0.002%). This variant has not been reported in the literature in individuals affected with DSG1-related conditions. ClinVar contains an entry for this variant (Variation ID: 1390372). An algorithm developed to predict the effect of missense changes on protein structure and function (PolyPhen-2) suggests that this variant is likely to be tolerated. In summary, the available evidence is currently insufficient to determine the role of this variant in disease. Therefore, it has been classified as a Variant of Uncertain Significance.

NM_001942.4(DSG1):c.2308G>A (p.Asp770Asn)

Genes: DSG1 (desmoglein 1; plus strand), DSG1-AS1 (DSG1 antisense RNA 1; minus strand), LOC126862720 (MED14-independent group 3 enhancer GRCh37_chr18:28933613-28934812; plus strand). Cytogenetic location: 18q12.1.
Variant type: single nucleotide variant.
Coding change: c.2308G>A on transcript NM_001942.4 (MANE Select); coding-DNA position 2308, G replaced by A.
Protein change: p.Asp770Asn; replaces aspartic acid 770 with asparagine.
Molecular consequence: missense variant.
Genome position (GRCh38, 1-based): chr18:31,354,504, G>A. VCF-style: chr18-31354504-G-A. GRCh37 (hg19) VCF-style: chr18-28934467-G-A.
Other names: short protein forms D770N.
Identifiers: ClinVar variation 1390372 (VCV001390372.6), dbSNP rs953515582, ClinGen allele CA297704212.